The following is an entry in ClinVar:

NM_000051.4(ATM):c.7829G>C (p.Arg2610Thr)

Genes: ATM (ATM serine/threonine kinase; plus strand), C11orf65 (chromosome 11 open reading frame 65; minus strand). Cytogenetic location: 11q22.3.
Variant type: single nucleotide variant.
Coding change: c.7829G>C on transcript NM_000051.4 (MANE Select); coding-DNA position 7829, G replaced by C.
Protein change: p.Arg2610Thr; replaces arginine 2610 with threonine.
Molecular consequence: missense variant. On other transcripts: intron variant (2).
Genome position (GRCh38, 1-based): chr11:108,332,802, G>C. VCF-style: chr11-108332802-G-C. GRCh37 (hg19) VCF-style: chr11-108203529-G-C.
Other names: c.7829G>C, p.Arg2610Thr (NM_001351834.2); c.641-23731C>G (NM_001330368.2); c.*38+2418C>G (NM_001351110.2); short protein forms R2610T.
Identifiers: ClinVar variation 1385456 (VCV001385456.8), dbSNP rs2136563969, ClinGen allele CA382561322.
Genomic context (GRCh38, chr11:108,332,802, plus strand): 5'-TTTTTGTTTTTTATTAATAGGATCGAACAGAGGCTGCAAATAGAATAATATGTACTATCA[G>C]AAGTAGGAGACCTCAGATGGTCAGAAGTGTTGAGGCACTTTGTGATGCTTATATTATATT-3'
Protein context (NP_000042.3, residues 2600-2620): EAANRIICTI[Arg2610Thr]SRRPQMVRSV

ClinVar aggregate classification (germline): Uncertain significance. Review status: criteria provided, multiple submitters, no conflicts (2 of 4 stars). 2 submissions from 2 submitters: Uncertain significance (2). Last evaluated 2023-11-19.

Conditions:
Hereditary cancer-predisposing syndrome. Also called: Tumor predisposition; Neoplastic Syndromes, Hereditary; Hereditary Cancer Syndrome; Hereditary neoplastic syndrome. Identifiers: Orphanet 140162, MedGen C0027672, MeSH D009386, MONDO:0015356.
Ataxia-telangiectasia syndrome (AT). Also called: Ataxia-telangiectasia; LOUIS-BAR SYNDROME; Ataxia-telangiectasia, complementation group D; AT, COMPLEMENTATION GROUP C; ATAXIA-TELANGIECTASIA, COMPLEMENTATION GROUP A; ATAXIA-TELANGIECTASIA, FRESNO VARIANT. Identifiers: Orphanet 100, MedGen C0004135, MONDO:0008840, OMIM 208900.

Submissions (2):

Ambry Genetics
Classification: Uncertain significance for Hereditary cancer-predisposing syndrome. Last evaluated: 2023-11-19. Review status: criteria provided, single submitter. Criteria: Ambry Variant Classification Scheme 2023. Collection method: clinical testing. Allele origin: germline.
Comment: The p.R2610T variant (also known as c.7829G>C), located in coding exon 52 of the ATM gene, results from a G to C substitution at nucleotide position 7829. The arginine at codon 2610 is replaced by threonine, an amino acid with similar properties. This amino acid position is conserved. In addition, this alteration is predicted to be tolerated by in silico analysis. Since supporting evidence is limited at this time, the clinical significance of this alteration remains unclear.

Labcorp Genetics (formerly Invitae), Labcorp
Classification: Uncertain significance for Ataxia-telangiectasia syndrome. Last evaluated: 2021-10-29. Review status: criteria provided, single submitter. Criteria: Invitae Variant Classification Sherloc (09022015). Collection method: clinical testing. Allele origin: germline.
Comment: This sequence change replaces arginine, which is basic and polar, with threonine, which is neutral and polar, at codon 2610 of the ATM protein (p.Arg2610Thr). In summary, the available evidence is currently insufficient to determine the role of this variant in disease. Therefore, it has been classified as a Variant of Uncertain Significance. Algorithms developed to predict the effect of missense changes on protein structure and function (SIFT, PolyPhen-2, Align-GVGD) all suggest that this variant is likely to be tolerated. This variant has not been reported in the literature in individuals affected with ATM-related conditions. This variant is not present in population databases (gnomAD no frequency).